The following is an entry in ClinVar:

ClinVar aggregate classification (germline): Uncertain significance. Review status: criteria provided, multiple submitters, no conflicts (2 of 4 stars). 2 submissions from 2 submitters: Uncertain significance (2). Last evaluated 2023-12-27.

Conditions:
Hereditary pancreatitis (PCTT). Also called: Hereditary chronic pancreatitis; PRSS1-Related Hereditary Pancreatitis. Identifiers: Orphanet 676, MedGen C0238339, MONDO:0008185, OMIM 167800.

Submissions (2):

Labcorp Genetics (formerly Invitae), Labcorp
Classification: Uncertain significance for Hereditary pancreatitis. Last evaluated: 2023-12-27. Review status: criteria provided, single submitter. Criteria: Invitae Variant Classification Sherloc (09022015). Collection method: clinical testing. Allele origin: germline.
Comment: This sequence change falls in intron 2 of the SPINK1 gene. It does not directly change the encoded amino acid sequence of the SPINK1 protein. It affects a nucleotide within the consensus splice site. This variant is not present in population databases (gnomAD no frequency). This variant has not been reported in the literature in individuals affected with SPINK1-related conditions. ClinVar contains an entry for this variant (Variation ID: 1030627). Variants that disrupt the consensus splice site are a relatively common cause of aberrant splicing (PMID: 17576681, 9536098). Algorithms developed to predict the effect of sequence changes on RNA splicing suggest that this variant may disrupt the consensus splice site. In summary, the available evidence is currently insufficient to determine the role of this variant in disease. Therefore, it has been classified as a Variant of Uncertain Significance.

Baylor Genetics
Classification: Uncertain significance for Hereditary pancreatitis. Last evaluated: 2020-05-05. Review status: criteria provided, single submitter. Criteria: ACMG Guidelines, 2015. Collection method: clinical testing. Allele origin: unknown. Affected: yes.
Comment: This variant was determined to be of uncertain significance according to ACMG Guidelines, 2015 [PMID:25741868].

Literature cited by the submitters: PubMed 17576681 (cited by Labcorp Genetics (formerly Invitae), Labcorp); PubMed 9536098 (cited by Labcorp Genetics (formerly Invitae), Labcorp).

NM_001379610.1(SPINK1):c.55+5G>A

Gene: SPINK1 (serine peptidase inhibitor Kazal type 1; minus strand). Cytogenetic location: 5q32.
Variant type: single nucleotide variant.
Coding change: c.55+5G>A on transcript NM_001379610.1 (MANE Select); 5 bases into the intron after coding-DNA position 55, G replaced by A.
Molecular consequence: intron variant.
Genome position (GRCh38, 1-based): chr5:147,831,518, C>T on the plus strand (G>A on the coding strand, the complement: SPINK1 is on the minus strand). VCF-style: chr5-147831518-C-T. GRCh37 (hg19) VCF-style: chr5-147211081-C-T.
Other names: c.55+5G>A (NM_003122.5, NM_001354966.2).
Identifiers: ClinVar variation 1030627 (VCV001030627.4), dbSNP rs879076423, ClinGen allele CA1589764813.
Genomic context (GRCh38, chr5:147,831,518, plus strand): 5'-ATGTGCTTCACAAAGCAACAGGTCAAAACAGTTTTATTTAAATTTGAAAAATATGCAACA[C>T]TTACCAGATAGACTCAACAGGGCCAAGGCACTGAGAAGAAAGATGCCTGTTACCTTCATG-3'